The following is an entry in ClinVar:

NM_144991.3(TSPEAR):c.1109A>G (p.His370Arg)

Gene: TSPEAR (thrombospondin type laminin G domain and EAR repeats; minus strand). Cytogenetic location: 21q22.3.
Variant type: single nucleotide variant.
Coding change: c.1109A>G on transcript NM_144991.3 (MANE Select); coding-DNA position 1109, A replaced by G.
Protein change: p.His370Arg; replaces histidine 370 with arginine.
Molecular consequence: missense variant.
Genome position (GRCh38, 1-based): chr21:44,527,332, T>C on the plus strand (A>G on the coding strand, the complement: TSPEAR is on the minus strand). VCF-style: chr21-44527332-T-C. GRCh37 (hg19) VCF-style: chr21-45947215-T-C.
Other names: c.905A>G, p.His302Arg (NM_001272037.2); short protein forms H302R, H370R.
Identifiers: ClinVar variation 3392694 (VCV003392694.2).
Genomic context (GRCh38, chr21:44,527,332, plus strand): 5'-GTCACCGAACACAGACTTGCCTTTTTCCCGATGGTGAAATGCCTCCAGGCCTGTGCTTGG[T>C]GCGTGGGGATGTTCTGATATGAGACGAACTTCTCTTCGGTCCACTTGTAGACGGCGGATG-3'
Protein context (NP_659428.2, residues 360-380): KFVSYQNIPT[His370Arg]QAQAWRHFTI

ClinVar aggregate classification (germline): Uncertain significance. Review status: criteria provided, multiple submitters, no conflicts (2 of 4 stars). 2 submissions from 2 submitters: Uncertain significance (2). Last evaluated 2025-10-02.

Conditions:
Inborn genetic diseases. Identifiers: MedGen C0950123, MeSH D030342.

gnomAD v4.1: 16 of 1,614,036 alleles (0.00099%); highest among the groups gnomAD compares: Non-Finnish European, 0.0013%; no homozygotes.

Submissions (2):

Ambry Genetics
Classification: Uncertain significance for Inborn genetic diseases. Last evaluated: 2025-10-02. Review status: criteria provided, single submitter. Criteria: Ambry Variant Classification Scheme 2023. Collection method: clinical testing. Allele origin: germline.

GeneDx
Classification: Uncertain significance. Last evaluated: 2024-06-25. Review status: criteria provided, single submitter. Criteria: GeneDx Variant Classification Process June 2021. Collection method: clinical testing. Allele origin: germline. Affected: yes.
Comment: Not observed at significant frequency in large population cohorts (gnomAD); In silico analysis supports that this missense variant has a deleterious effect on protein structure/function; Has not been previously published as pathogenic or benign to our knowledge